The following is an entry in ClinVar:

ClinVar aggregate classification (germline): Benign. Review status: criteria provided, multiple submitters, no conflicts (2 of 4 stars). 12 submissions from 11 submitters: Benign (10). 2 of the submissions do not count toward it. Last evaluated 2026-02-04.

Conditions:
Nail-patella syndrome (NPS). Also called: FONG DISEASE; ONYCHOOSTEODYSPLASIA; TURNER-KIESER SYNDROME. Identifiers: Orphanet 2614, MedGen C0027341, MONDO:0008061, OMIM 161200.
Nail-patella-like renal disease. Also called: GLOMERULAR BASEMENT MEMBRANE DISEASE, NAIL-PATELLA SYNDROME TYPE; Focal Segmental Glomerulosclerosis 10. Identifiers: Orphanet 2613, MedGen C0403548, MONDO:0009724, OMIM 256020.

Allele frequency attached by ClinVar (database versions not stated): gnomAD 0.45698 and 0.45633; ESP Exome Variant Server 0.46256; TOPMed 0.46363; 1000 Genomes Project 30x 0.47814; 1000 Genomes Project 0.48003; gnomAD exomes 0.42732 and 0.44433; ExAC 0.44963.
gnomAD v4.1: 694,507 of 1,613,590 alleles (43%); highest among the groups gnomAD compares: East Asian, 53%; 151,135 homozygotes.

Submissions (13):

Labcorp Genetics (formerly Invitae), Labcorp
Classification: Benign. Last evaluated: 2026-02-04. Review status: criteria provided, single submitter. Criteria: Invitae Variant Classification Sherloc (09022015). Collection method: clinical testing. Allele origin: germline.

Blueprint Genetics
Classification: Benign. Last evaluated: 2024-11-27. Review status: criteria provided, single submitter. Criteria: ACMG Guidelines, 2015. Collection method: clinical testing. Allele origin: germline.

Unidad de Genómica Garrahan, Hospital de Pediatría Garrahan
Classification: Benign. Last evaluated: 2024-07-15. Review status: criteria provided, single submitter. Criteria: ACMG Guidelines, 2015. Collection method: clinical testing. Allele origin: germline. Affected: no. Observed: 55 variant alleles.
Comment: This variant is classified as Benign based on local population frequency. This variant was detected in 59% of patients studied in a panel designed for Epileptic and Developmental Encephalopathy and Progressive Myoclonus Epilepsy. Number of patients: 55. Only high quality variants are reported.

Mayo Clinic Laboratories, Mayo Clinic
Classification: Benign. Last evaluated: 2022-03-09. Review status: criteria provided, single submitter. Criteria: ACMG Guidelines, 2015. Collection method: clinical testing. Allele origin: germline. Observed: 98 variant alleles.

Genome-Nilou Lab
Classification: Benign for Nail-patella-like renal disease. Last evaluated: 2021-08-19. Review status: criteria provided, single submitter. Criteria: ACMG Guidelines, 2015. Collection method: clinical testing. Allele origin: germline. Affected: no.

Genome-Nilou Lab
Classification: Benign for Nail-patella syndrome. Last evaluated: 2021-08-19. Review status: criteria provided, single submitter. Criteria: ACMG Guidelines, 2015. Collection method: clinical testing. Allele origin: germline. Affected: no.

GeneDx
Classification: Benign. Last evaluated: 2018-05-01. Review status: criteria provided, single submitter. Criteria: GeneDx Variant Classification (06012015). Collection method: clinical testing. Allele origin: germline. Affected: yes.
Comment: This variant is considered likely benign or benign based on one or more of the following criteria: it is a conservative change, it occurs at a poorly conserved position in the protein, it is predicted to be benign by multiple in silico algorithms, and/or has population frequency not consistent with disease.

Illumina Laboratory Services, Illumina
Classification: Benign for Nail-patella syndrome. Last evaluated: 2018-01-13. Review status: criteria provided, single submitter. Criteria: ICSL Variant Classification Criteria 13 December 2019. Collection method: clinical testing. Allele origin: germline.
Comment: This variant was observed in the ICSL laboratory as part of a predisposition screen in an ostensibly healthy population. It had not been previously curated by ICSL or reported in the Human Gene Mutation Database (HGMD: prior to June 1st, 2018), and was therefore a candidate for classification through an automated scoring system. Utilizing variant allele frequency, disease prevalence and penetrance estimates, and inheritance mode, an automated score was calculated to assess if this variant is too frequent to cause the disease. Based on the score and internal cut-off values, a variant classified as benign is not then subjected to further curation. The score for this variant resulted in a classification of benign for this disease.

Breakthrough Genomics
Classification: Benign. Review status: criteria provided, single submitter. Criteria: ACMG Guidelines, 2015. Collection method: not provided. Allele origin: germline. Inheritance: Autosomal dominant inheritance. Affected: yes.

PreventionGenetics, part of Exact Sciences
Classification: Benign. Review status: criteria provided, single submitter. Criteria: ACMG Guidelines, 2015. Collection method: clinical testing. Allele origin: germline.

Diagnostic Laboratory, Department of Genetics, University Medical Center Groningen
Classification: Benign. Review status: no assertion criteria provided. Collection method: clinical testing. Allele origin: germline. Affected: yes. Study: VKGL Data-share Consensus. Not counted in ClinVar's aggregate classification.

Dr. Peter K. Rogan Lab, Western University
No classification provided (evidence only). Condition: Familial cancer of breast. Review status: no classification provided. Collection method: in vitro. Allele origin: not applicable. Functional consequence: retained intron. Not counted in ClinVar's aggregate classification.

Joint Genome Diagnostic Labs from Nijmegen and Maastricht, Radboudumc and MUMC+
Classification: Benign. Review status: no assertion criteria provided. Collection method: clinical testing. Allele origin: germline. Affected: yes. Study: VKGL Data-share Consensus. Not counted in ClinVar's aggregate classification.

NM_001174147.2(LMX1B):c.441A>G (p.Glu147=)

Gene: LMX1B (LIM homeobox transcription factor 1 beta; plus strand). Cytogenetic location: 9q33.3.
Variant type: single nucleotide variant.
Coding change: c.441A>G on transcript NM_001174147.2 (MANE Select); coding-DNA position 441, A replaced by G.
Protein change: p.Glu147=; no amino-acid change (glutamic acid 147 retained).
Molecular consequence: synonymous variant.
Genome position (GRCh38, 1-based): chr9:126,690,950, A>G. VCF-style: chr9-126690950-A-G. GRCh37 (hg19) VCF-style: chr9-129453229-A-G.
Other names: p.Glu147=; c.441A>G, p.Glu147= (NM_001174146.2, NM_002316.4).
Identifiers: ClinVar variation 258625 (VCV000258625.29), dbSNP rs2277158, ClinGen allele CA5242311.